The following is an entry in ClinVar:

ClinVar aggregate classification (germline): Likely benign. Review status: criteria provided, multiple submitters, no conflicts (2 of 4 stars). 3 submissions from 3 submitters: Likely benign (3). Last evaluated 2025-06-01.

Conditions:
Familial thoracic aortic aneurysm and aortic dissection (TAAD). Also called: Thoracic aortic aneurysms and dissections. Identifiers: Orphanet 91387, MedGen C4707243, MONDO:0019625.
Ehlers-Danlos syndrome, classic type, 1 (EDSCL1). Also called: EHLERS-DANLOS SYNDROME, GRAVIS TYPE; EHLERS-DANLOS SYNDROME, SEVERE CLASSIC TYPE; Ehlers-Danlos Syndrome, Classic Type, COL5A1-Related; EDS I; Ehlers-Danlos syndrome, type 1. Identifiers: MedGen C0268335, MONDO:0019567, OMIM 130000.

Allele frequency attached by ClinVar (database versions not stated): ExAC 0.00001; TOPMed 0.00002.
gnomAD v4.1: 35 of 1,612,924 alleles (0.0022%); highest among the groups gnomAD compares: Non-Finnish European, 0.0025%; no homozygotes.

Submissions (3):

Labcorp Genetics (formerly Invitae), Labcorp
Classification: Likely benign for Ehlers-Danlos syndrome, classic type, 1. Last evaluated: 2025-06-01. Review status: criteria provided, single submitter. Criteria: Invitae Variant Classification Sherloc (09022015). Collection method: clinical testing. Allele origin: germline.

Ambry Genetics
Classification: Likely benign for Familial thoracic aortic aneurysm and aortic dissection. Last evaluated: 2022-08-29. Review status: criteria provided, single submitter. Criteria: Ambry Variant Classification Scheme 2023. Collection method: clinical testing. Allele origin: germline.

GeneDx
Classification: Likely benign. Last evaluated: 2016-07-11. Review status: criteria provided, single submitter. Criteria: GeneDx Variant Classification (06012015). Collection method: clinical testing. Allele origin: germline. Affected: yes.
Comment: This variant is considered likely benign or benign based on one or more of the following criteria: it is a conservative change, it occurs at a poorly conserved position in the protein, it is predicted to be benign by multiple in silico algorithms, and/or has population frequency not consistent with disease.

NM_000093.5(COL5A1):c.2676C>T (p.Gly892=)

Gene: COL5A1 (collagen type V alpha 1 chain; plus strand). Cytogenetic location: 9q34.3.
Variant type: single nucleotide variant.
Coding change: c.2676C>T on transcript NM_000093.5 (MANE Select); coding-DNA position 2676, C replaced by T.
Protein change: p.Gly892=; no amino-acid change (glycine 892 retained).
Molecular consequence: synonymous variant.
Genome position (GRCh38, 1-based): chr9:134,789,184, C>T. VCF-style: chr9-134789184-C-T. GRCh37 (hg19) VCF-style: chr9-137681030-C-T.
Other names: c.2676C>T, p.Gly892= (NM_001278074.1).
Identifiers: ClinVar variation 387607 (VCV000387607.6), dbSNP rs143161140, ClinGen allele CA5319520.